The following is an entry in ClinVar:

ClinVar aggregate classification (germline): Likely benign (1 of 4 stars; one submission).

Conditions:
COL1A2-related disorder. Also called: COL1A2-related condition; COL1A2-Related Disorders.

gnomAD v4.1: 4 of 1,160,644 alleles (0.00034%); highest among the groups gnomAD compares: African/African-American, 0.0037%; no homozygotes.

Submission:

PreventionGenetics, part of Exact Sciences
Classification: Likely benign for COL1A2-related condition. Last evaluated: 2026-02-22. Review status: criteria provided, single submitter. Criteria: ACMG Guidelines, 2015. Collection method: clinical testing. Allele origin: germline.
Comment: This variant is classified as likely benign based on ACMG/AMP sequence variant interpretation guidelines (Richards et al. 2015 PMID: 25741868, with internal and published modifications).

NM_000089.4(COL1A2):c.226-25T>A

Gene: COL1A2 (collagen type I alpha 2 chain; plus strand). Cytogenetic location: 7q21.3.
Variant type: single nucleotide variant.
Coding change: c.226-25T>A on transcript NM_000089.4 (MANE Select); 25 bases into the intron before coding-DNA position 226, T replaced by A.
Molecular consequence: intron variant.
Genome position (GRCh38, 1-based): chr7:94,401,542, T>A. VCF-style: chr7-94401542-T-A. GRCh37 (hg19) VCF-style: chr7-94030854-T-A.
Identifiers: ClinVar variation 4982309 (VCV004982309.1).
Genomic context (GRCh38, chr7:94,401,542, plus strand): 5'-CAAGTAGAATGAGAAAATGAACTACATGACTAGTAACTAAAAATATTTTATATATATATA[T>A]AATTTTTTTTTTTTACTTCTCTAGAACTTTGCTGCTCAGTATGATGGAAAAGGAGTTGGA-3'